The following is an entry in ClinVar:

NM_001005373.4(LRSAM1):c.469A>G (p.Ile157Val)

Gene: LRSAM1 (leucine rich repeat and sterile alpha motif containing 1; plus strand). Cytogenetic location: 9q33.3.
Variant type: single nucleotide variant.
Coding change: c.469A>G on transcript NM_001005373.4 (MANE Select); coding-DNA position 469, A replaced by G.
Protein change: p.Ile157Val; replaces isoleucine 157 with valine.
Molecular consequence: missense variant. On other transcripts: 5 prime UTR variant (1), non-coding transcript variant (2).
Genome position (GRCh38, 1-based): chr9:127,462,314, A>G. VCF-style: chr9-127462314-A-G. GRCh37 (hg19) VCF-style: chr9-130224593-A-G.
Other names: c.469A>G (NM_138361.4); c.469A>G, p.Ile157Val (NM_001005374.4, NM_001190723.3, NM_001384142.1 and 2 more transcripts); c.-316A>G (NM_001384144.1); short protein forms I157V.
Identifiers: ClinVar variation 540017 (VCV000540017.18), dbSNP rs150292099, ClinGen allele CA5246559.

ClinVar aggregate classification (germline): Benign/Likely benign. Review status: criteria provided, multiple submitters, no conflicts (2 of 4 stars). 5 submissions from 5 submitters: Benign (1); Likely benign (4). Last evaluated 2026-01-10.

Conditions:
Inborn genetic diseases. Identifiers: MedGen C0950123, MeSH D030342.
LRSAM1-related disorder. Also called: LRSAM1-related condition.
Charcot-Marie-Tooth disease axonal type 2P. Also called: Charcot-Marie-Tooth Neuropathy Type 2G; CHARCOT-MARIE-TOOTH DISEASE, AXONAL, TYPE 2G; CMT 2G; CHARCOT-MARIE-TOOTH NEUROPATHY, TYPE 2P. Identifiers: Orphanet 300319, Orphanet 99941, MedGen C3280797, MONDO:0013753, OMIM 614436.

Allele frequency attached by ClinVar (database versions not stated): gnomAD exomes 0.00008 and 0.00023; ExAC 0.00026; gnomAD 0.00095 and 0.00105; TOPMed 0.00107; ESP Exome Variant Server 0.00108; 1000 Genomes Project 30x 0.00109; 1000 Genomes Project 0.00140.
gnomAD v4.1: 259 of 1,614,126 alleles (0.016%); highest among the groups gnomAD compares: African/African-American, 0.32%; no homozygotes.

Submissions (6):

Labcorp Genetics (formerly Invitae), Labcorp
Classification: Likely benign for Charcot-Marie-Tooth disease axonal type 2P. Last evaluated: 2026-01-10. Review status: criteria provided, single submitter. Criteria: Invitae Variant Classification Sherloc (09022015). Collection method: clinical testing. Allele origin: germline.

PreventionGenetics, part of Exact Sciences
Classification: Likely benign for LRSAM1-related condition. Last evaluated: 2025-04-04. Review status: criteria provided, single submitter. Criteria: ACMG Guidelines, 2015. Collection method: clinical testing. Allele origin: germline.
Comment: This variant is classified as likely benign based on ACMG/AMP sequence variant interpretation guidelines (Richards et al. 2015 PMID: 25741868, with internal and published modifications).

Department of Pathology and Laboratory Medicine, Sinai Health System
Classification: Likely benign for Charcot-Marie-Tooth disease axonal type 2P. Last evaluated: 2021-07-30. Review status: criteria provided, single submitter. Criteria: ACMG Guidelines, 2015. Collection method: research. Allele origin: germline.

Ambry Genetics
Classification: Likely benign for Inborn genetic diseases. Last evaluated: 2020-10-01. Review status: criteria provided, single submitter. Criteria: Ambry Variant Classification Scheme 2023. Collection method: clinical testing. Allele origin: germline.

GeneDx
Classification: Benign. Last evaluated: 2020-09-02. Review status: criteria provided, single submitter. Criteria: GeneDx Variant Classification Process June 2021. Collection method: clinical testing. Allele origin: germline. Affected: yes.

Dr. Peter K. Rogan Lab, Western University
No classification provided (evidence only). Condition: Gastric cancer. Review status: no classification provided. Collection method: in vitro. Allele origin: not applicable. Functional consequence: retained intron. Not counted in ClinVar's aggregate classification.